The following is an entry in ClinVar:

ClinVar aggregate classification (germline): Uncertain significance (1 of 4 stars; one submission).

Submission:

Labcorp Genetics (formerly Invitae), Labcorp
Classification: Uncertain significance. Last evaluated: 2024-09-20. Review status: criteria provided, single submitter. Criteria: Invitae Variant Classification Sherloc (09022015). Collection method: clinical testing. Allele origin: germline.
Comment: This sequence change replaces proline, which is neutral and non-polar, with serine, which is neutral and polar, at codon 141 of the COL7A1 protein (p.Pro141Ser). This variant is not present in population databases (gnomAD no frequency). This variant has not been reported in the literature in individuals affected with COL7A1-related conditions. Invitae Evidence Modeling of protein sequence and biophysical properties (such as structural, functional, and spatial information, amino acid conservation, physicochemical variation, residue mobility, and thermodynamic stability) indicates that this missense variant is not expected to disrupt COL7A1 protein function with a negative predictive value of 95%. In summary, the available evidence is currently insufficient to determine the role of this variant in disease. Therefore, it has been classified as a Variant of Uncertain Significance.

NM_000094.4(COL7A1):c.421C>T (p.Pro141Ser)

Gene: COL7A1 (collagen type VII alpha 1 chain; minus strand). Cytogenetic location: 3p21.31.
Variant type: single nucleotide variant.
Coding change: c.421C>T on transcript NM_000094.4 (MANE Select); coding-DNA position 421, C replaced by T.
Protein change: p.Pro141Ser; replaces proline 141 with serine.
Molecular consequence: missense variant.
Genome position (GRCh38, 1-based): chr3:48,593,542, G>A on the plus strand (C>T on the coding strand, the complement: COL7A1 is on the minus strand). VCF-style: chr3-48593542-G-A. GRCh37 (hg19) VCF-style: chr3-48630975-G-A.
Other names: short protein forms P141S.
Identifiers: ClinVar variation 3618922 (VCV003618922.2).
Genomic context (GRCh38, chr3:48,593,542, plus strand): 5'-CCCTGGACACTTCATTTGGGGTCATCTTGGGAGGCATGGTAGGGGTAGGGATCACCTTGG[G>A]GACACCAGGTCGGGCCAGCTGGGGCAGGAAGACATGGTCAGCCACATGGAGAATTGCAGC-3'
Protein context (NP_000085.1, residues 131-151): FLPQLARPGV[Pro141Ser]KVCILITDGK